The following is an entry in ClinVar:

ClinVar aggregate classification (germline): Uncertain significance (1 of 4 stars; one submission).

Conditions:
POLD1-related polyposis and colorectal cancer syndrome (CRCS10). Also called: COLORECTAL CANCER, SUSCEPTIBILITY TO, ON CHROMOSOME 19q; Colorectal cancer 10; Colorectal cancer, susceptibility to, 10. Identifiers: Orphanet 220460, MedGen C2675481, MONDO:0012953, OMIM 612591.

Submission:

Labcorp Genetics (formerly Invitae), Labcorp
Classification: Uncertain significance for POLD1-related polyposis and colorectal cancer syndrome. Last evaluated: 2021-11-29. Review status: criteria provided, single submitter. Criteria: Invitae Variant Classification Sherloc (09022015). Collection method: clinical testing. Allele origin: germline.
Comment: This variant results in the deletion of exons 5-10 and part of exon 4 (c.324_1243-352del) of the POLD1 gene. Missense variants that disrupt the 3'-5' exonuclease (proof-reading) activity of the POLD1 protein are associated with an increased risk for colonic adenomatous polyps and colon cancer (PMID: 23263490, 23447401). However, loss-of-function variants that result in an absent or severely disrupted POLD1 protein, and missense variants outside the exonuclease domain, are unlikely to be associated with polyposis or colon cancer. This variant has not been reported in the literature in individuals affected with POLD1-related conditions. In summary, the available evidence is currently insufficient to determine the role of this variant in disease. Therefore, it has been classified as a Variant of Uncertain Significance.

Literature cited by the submitters: PubMed 23263490; PubMed 23447401.

NC_000019.9:g.(?_50905040)_(50909085_?)del

Gene: POLD1 (DNA polymerase delta 1, catalytic subunit; plus strand). Cytogenetic location: 19q13.33.
Variant type: Deletion.
Identifiers: ClinVar variation 2424518 (VCV002424518.4).